The following is an entry in ClinVar:

NM_007294.4(BRCA1):c.5074+1158G>A

Gene: BRCA1 (BRCA1 DNA repair associated; minus strand). Cytogenetic location: 17q21.31.
Variant type: single nucleotide variant.
Coding change: c.5074+1158G>A on transcript NM_007294.4 (MANE Select); 1158 bases into the intron after coding-DNA position 5074, G replaced by A.
Molecular consequence: intron variant.
Genome position (GRCh38, 1-based): chr17:43,066,450, C>T on the plus strand (G>A on the coding strand, the complement: BRCA1 is on the minus strand). VCF-style: chr17-43066450-C-T. GRCh37 (hg19) VCF-style: chr17-41218467-C-T.
Other names: IVS 17+1158G>A; c.1621+1158G>A (NM_001408458.1, NM_001408461.1, NM_001408464.1 and 7 more transcripts); c.4183+1158G>A (NM_001407967.1); c.4693+1158G>A (NM_001407959.1); c.4807+1158G>A (NM_001407931.1, NM_001407932.1, NM_001407928.1 and 4 more transcripts); c.4930+1158G>A (NM_001407747.1, NM_001407745.1, NM_001407737.1 and 21 more transcripts); c.4690+1158G>A (NM_001407962.1, NM_001407960.1); c.1261+1158G>A (NM_001408512.1); and 72 more.
Identifiers: ClinVar variation 209339 (VCV000209339.2), dbSNP rs112966361, ClinGen allele CA276311.

ClinVar aggregate classification (germline): Benign (3 of 4 stars; one submission).

Conditions:
Breast-ovarian cancer, familial, susceptibility to, 1 (BROVCA1). Also called: BRCA1 Hereditary Breast and Ovarian Cancer; OVARIAN CANCER, SUSCEPTIBILITY TO. Identifiers: Orphanet 145, MedGen C2676676, MONDO:0011450, OMIM 604370. Disease mechanism: loss of function.

Allele frequency attached by ClinVar (database versions not stated): 1000 Genomes Project 30x 0.00406; gnomAD 0.00469 and 0.00507; 1000 Genomes Project 0.00499; TOPMed 0.00521.
gnomAD v4.1: 705 of 152,156 alleles (0.46%); highest among the groups gnomAD compares: African/African-American, 1.6%; 10 homozygotes.

Submission:

Evidence-based Network for the Interpretation of Germline Mutant Alleles (ENIGMA)
Classification: Benign for Breast-ovarian cancer, familial 1. Last evaluated: 2015-01-12. Review status: reviewed by expert panel. Criteria: ENIGMA BRCA1/2 Classification Criteria (2015). Collection method: curation. Allele origin: germline.
Comment: Class 1 not pathogenic based on frequency >1% in an outbred sampleset. Frequency 0.02033 (African), derived from 1000 genomes (2012-04-30).